The following is an entry in ClinVar:

ClinVar aggregate classification (germline): Uncertain significance (1 of 4 stars; one submission).

Conditions:
Hereditary cancer-predisposing syndrome. Also called: Tumor predisposition; Neoplastic Syndromes, Hereditary; Hereditary neoplastic syndrome; Hereditary Cancer Syndrome. Identifiers: Orphanet 140162, MedGen C0027672, MeSH D009386, MONDO:0015356.

Submission:

Ambry Genetics
Classification: Uncertain significance for Hereditary cancer-predisposing syndrome. Last evaluated: 2025-08-27. Review status: criteria provided, single submitter. Criteria: Ambry Variant Classification Scheme 2023. Collection method: clinical testing. Allele origin: germline.
Comment: The p.K521E variant (also known as c.1561A>G), located in coding exon 16 of the MUTYH gene, results from an A to G substitution at nucleotide position 1561. The lysine at codon 521 is replaced by glutamic acid, an amino acid with similar properties. This amino acid position is conserved. In addition, this alteration is predicted to be tolerated by in silico analysis. Based on the available evidence, the clinical significance of this variant remains unclear.

NM_001048174.2(MUTYH):c.1477A>G (p.Lys493Glu)

Gene: MUTYH (mutY DNA glycosylase; minus strand). Cytogenetic location: 1p34.1.
Variant type: single nucleotide variant.
Coding change: c.1477A>G on transcript NM_001048174.2 (MANE Select); coding-DNA position 1477, A replaced by G.
Protein change: p.Lys493Glu; replaces lysine 493 with glutamic acid.
Molecular consequence: missense variant. On other transcripts: non-coding transcript variant (7).
Genome position (GRCh38, 1-based): chr1:45,329,395, T>C on the plus strand (A>G on the coding strand, the complement: MUTYH is on the minus strand). VCF-style: chr1-45329395-T-C. GRCh37 (hg19) VCF-style: chr1-45795067-T-C.
Other names: c.1477A>G, p.Lys493Glu (NM_001048171.2, NM_001048173.2, NM_001293195.2 and 6 more transcripts); c.1480A>G, p.Lys494Glu (NM_001048172.2, NM_001407086.1, NM_001407071.1 and 1 more transcripts); c.1561A>G, p.Lys521Glu (NM_001128425.2); c.1522A>G, p.Lys508Glu (NM_001293190.2); c.1510A>G, p.Lys504Glu (NM_001293191.2, NM_001407069.1, NM_001407077.1); c.1201A>G, p.Lys401Glu (NM_001293192.2, NM_001293196.2, NM_001407091.1); c.1132A>G, p.Lys378Glu (NM_001350650.2, NM_001350651.2, NM_001407082.1); c.1519A>G, p.Lys507Glu (NM_001407083.1, NM_001407085.1); and 5 more; short protein forms K480E, K494E, K504E, K507E, K378E, K401E, K479E, K493E.
Identifiers: ClinVar variation 4113366 (VCV004113366.1).